The following is an entry in ClinVar:

ClinVar aggregate classification (germline): Uncertain significance (1 of 4 stars; one submission).

Allele frequency attached by ClinVar (database versions not stated): gnomAD 0.00001; gnomAD exomes 0.00001; ExAC 0.00002.

Submission:

Labcorp Genetics (formerly Invitae), Labcorp
Classification: Uncertain significance. Last evaluated: 2022-10-07. Review status: criteria provided, single submitter. Criteria: Invitae Variant Classification Sherloc (09022015). Collection method: clinical testing. Allele origin: germline.
Comment: In summary, the available evidence is currently insufficient to determine the role of this variant in disease. Therefore, it has been classified as a Variant of Uncertain Significance. Algorithms developed to predict the effect of missense changes on protein structure and function (SIFT, PolyPhen-2, Align-GVGD) all suggest that this variant is likely to be tolerated. This variant has not been reported in the literature in individuals affected with DNAJC21-related conditions. This variant is present in population databases (rs775205000, gnomAD 0.007%). This sequence change replaces proline, which is neutral and non-polar, with serine, which is neutral and polar, at codon 510 of the DNAJC21 protein (p.Pro510Ser).

NM_001012339.3(DNAJC21):c.1528C>T (p.Pro510Ser)

Gene: DNAJC21 (DnaJ heat shock protein family (Hsp40) member C21; plus strand). Cytogenetic location: 5p13.2.
Variant type: single nucleotide variant.
Coding change: c.1528C>T on transcript NM_001012339.3 (MANE Select); coding-DNA position 1528, C replaced by T.
Protein change: p.Pro510Ser; replaces proline 510 with serine.
Molecular consequence: missense variant.
Genome position (GRCh38, 1-based): chr5:34,954,646, C>T. VCF-style: chr5-34954646-C-T. GRCh37 (hg19) VCF-style: chr5-34954751-C-T.
Other names: c.1567C>T, p.Pro523Ser (NM_001348420.2); c.1663C>T, p.Pro555Ser (NM_194283.4); short protein forms P510S, P523S, P555S.
Identifiers: ClinVar variation 2089930 (VCV002089930.4), dbSNP rs775205000, ClinGen allele CA3228884.
Genomic context (GRCh38, chr5:34,954,646, plus strand): 5'-GAATTTCCATCTCGGAATAAACTTTTTGACCATCTAAAGGCCACAGGTCATGCAAGAGCA[C>T]CTTCATCATCGTCTTTAAACAGCGCAACAAGTAGTCAAAGCAAGAAAGAGAAACGTAAAA-3'
Protein context (NP_001012339.2, residues 500-520): HLKATGHARA[Pro510Ser]SSSSLNSATS